The following is an entry in ClinVar:

ClinVar aggregate classification (germline): Benign/Likely benign. Review status: criteria provided, multiple submitters, no conflicts (2 of 4 stars). 3 submissions from 3 submitters: Benign (2); Likely benign (1). Last evaluated 2024-08-01.

Allele frequency attached by ClinVar (database versions not stated): TOPMed 0.00039; 1000 Genomes Project 0.00060; 1000 Genomes Project 30x 0.00062; ESP Exome Variant Server 0.00069; gnomAD 0.00070 and 0.00073; gnomAD exomes 0.00089; ExAC 0.00102.
gnomAD v4.1: 903 of 1,613,504 alleles (0.056%); highest among the groups gnomAD compares: Middle Eastern, 0.13%; 2 homozygotes.

Submissions (3):

CeGaT Center for Human Genetics Tuebingen
Classification: Likely benign. Last evaluated: 2024-08-01. Review status: criteria provided, single submitter. Criteria: CeGaT Center For Human Genetics Tuebingen Variant Classification Criteria Version 2. Collection method: clinical testing. Allele origin: germline. Affected: yes. Observed: 1 variant allele.
Comment: AXIN1: BP4, BP7

Labcorp Genetics (formerly Invitae), Labcorp
Classification: Benign. Last evaluated: 2018-01-15. Review status: criteria provided, single submitter. Criteria: Invitae Variant Classification Sherloc (09022015). Collection method: clinical testing. Allele origin: germline.

Breakthrough Genomics
Classification: Benign. Review status: criteria provided, single submitter. Criteria: ACMG Guidelines, 2015. Collection method: not provided. Allele origin: germline. Inheritance: Other. Affected: yes.

NM_003502.4(AXIN1):c.2565C>T (p.Ile855=)

Gene: AXIN1 (axin 1; minus strand). Cytogenetic location: 16p13.3.
Variant type: single nucleotide variant.
Coding change: c.2565C>T on transcript NM_003502.4 (MANE Select); coding-DNA position 2565, C replaced by T.
Protein change: p.Ile855=; no amino-acid change (isoleucine 855 retained).
Molecular consequence: synonymous variant. On other transcripts: non-coding transcript variant (1).
Genome position (GRCh38, 1-based): chr16:288,146, G>A on the plus strand (C>T on the coding strand, the complement: AXIN1 is on the minus strand). VCF-style: chr16-288146-G-A. GRCh37 (hg19) VCF-style: chr16-338146-G-A.
Other names: c.2457C>T, p.Ile819= (NM_181050.3).
Identifiers: ClinVar variation 721381 (VCV000721381.20), dbSNP rs150808160, ClinGen allele CA7773728.